The following is an entry in ClinVar:

NM_014423.4(AFF4):c.2362A>C (p.Asn788His)

Gene: AFF4 (ALF transcription elongation factor 4; minus strand). Cytogenetic location: 5q31.1.
Variant type: single nucleotide variant.
Coding change: c.2362A>C on transcript NM_014423.4 (MANE Select); coding-DNA position 2362, A replaced by C.
Protein change: p.Asn788His; replaces asparagine 788 with histidine.
Molecular consequence: missense variant.
Genome position (GRCh38, 1-based): chr5:132,893,064, T>G on the plus strand (A>C on the coding strand, the complement: AFF4 is on the minus strand). VCF-style: chr5-132893064-T-G. GRCh37 (hg19) VCF-style: chr5-132228756-T-G.
Other names: short protein forms N788H.
Identifiers: ClinVar variation 1708875 (VCV001708875.2), dbSNP rs895764131, ClinGen allele CA127270695.

ClinVar aggregate classification (germline): Uncertain significance (1 of 4 stars; one submission).

Allele frequency attached by ClinVar (database versions not stated): TOPMed below 0.00001; gnomAD 0.00001.
gnomAD v4.1: 1 of 1,614,018 alleles (0.000062%); highest among the groups gnomAD compares: Non-Finnish European, 0.000085%; no homozygotes.

Submission:

GeneDx
Classification: Uncertain significance. Last evaluated: 2022-04-05. Review status: criteria provided, single submitter. Criteria: GeneDx Variant Classification Process June 2021. Collection method: clinical testing. Allele origin: germline. Affected: yes.
Comment: Not observed at significant frequency in large population cohorts (gnomAD); In silico analysis supports that this missense variant does not alter protein structure/function; Has not been previously published as pathogenic or benign to our knowledge